The following is an entry in ClinVar:

NM_002334.4(LRP4):c.2317C>T (p.Arg773Cys)

Gene: LRP4 (LDL receptor related protein 4; minus strand). Cytogenetic location: 11p11.2.
Variant type: single nucleotide variant.
Coding change: c.2317C>T on transcript NM_002334.4 (MANE Select); coding-DNA position 2317, C replaced by T.
Protein change: p.Arg773Cys; replaces arginine 773 with cysteine.
Molecular consequence: missense variant.
Genome position (GRCh38, 1-based): chr11:46,886,432, G>A on the plus strand (C>T on the coding strand, the complement: LRP4 is on the minus strand). VCF-style: chr11-46886432-G-A. GRCh37 (hg19) VCF-style: chr11-46907983-G-A.
Other names: short protein forms R773C.
Identifiers: ClinVar variation 879576 (VCV000879576.11), dbSNP rs376444422, ClinGen allele CA5969931.

ClinVar aggregate classification (germline): Uncertain significance. Review status: criteria provided, multiple submitters, no conflicts (2 of 4 stars). 3 submissions from 3 submitters: Uncertain significance (3). Last evaluated 2024-08-05.

Conditions:
Cenani-Lenz syndactyly syndrome. Also called: CENANI SYNDACTYLISM; SYNDACTYLY, TYPE VII. Identifiers: Orphanet 3258, MedGen C1859309, MONDO:0008931, OMIM 212780.
Congenital myasthenic syndrome 17. Identifiers: Orphanet 590, MedGen C4225377, MONDO:0014578, OMIM 616304.
Sclerosteosis 2 (SOST2). Identifiers: Orphanet 3152, MedGen C3280402, MONDO:0013679, OMIM 614305.

Allele frequency attached by ClinVar (database versions not stated): gnomAD 0.00001; TOPMed 0.00001; gnomAD exomes 0.00002; ExAC 0.00003; ESP Exome Variant Server 0.00008.
gnomAD v4.1: 15 of 1,613,780 alleles (0.00093%); highest among the groups gnomAD compares: South Asian, 0.0022%; no homozygotes.

Submissions (3):

Labcorp Genetics (formerly Invitae), Labcorp
Classification: Uncertain significance for Cenani-Lenz syndactyly syndrome; Sclerosteosis 2; Congenital myasthenic syndrome 17. Last evaluated: 2024-08-05. Review status: criteria provided, single submitter. Criteria: Invitae Variant Classification Sherloc (09022015). Collection method: clinical testing. Allele origin: germline.
Comment: This sequence change replaces arginine, which is basic and polar, with cysteine, which is neutral and slightly polar, at codon 773 of the LRP4 protein (p.Arg773Cys). This variant is present in population databases (rs376444422, gnomAD 0.007%). This variant has not been reported in the literature in individuals affected with LRP4-related conditions. ClinVar contains an entry for this variant (Variation ID: 879576). Advanced modeling of protein sequence and biophysical properties (such as structural, functional, and spatial information, amino acid conservation, physicochemical variation, residue mobility, and thermodynamic stability) performed at Invitae indicates that this missense variant is not expected to disrupt LRP4 protein function with a negative predictive value of 80%. In summary, the available evidence is currently insufficient to determine the role of this variant in disease. Therefore, it has been classified as a Variant of Uncertain Significance.

Fulgent Genetics
Classification: Uncertain significance for Cenani-Lenz syndactyly syndrome; Sclerosteosis 2; Congenital myasthenic syndrome 17. Last evaluated: 2024-01-08. Review status: criteria provided, single submitter. Criteria: ACMG Guidelines, 2015. Collection method: clinical testing. Allele origin: germline.

Illumina Laboratory Services, Illumina
Classification: Uncertain significance for Cenani-Lenz syndactyly syndrome. Last evaluated: 2018-01-13. Review status: criteria provided, single submitter. Criteria: ICSL Variant Classification Criteria 13 December 2019. Collection method: clinical testing. Allele origin: germline.